The following is an entry in ClinVar:

NM_031407.7(HUWE1):c.2166A>C (p.Ala722=)

Gene: HUWE1 (HECT, UBA and WWE domain containing E3 ubiquitin protein ligase 1; minus strand). Cytogenetic location: Xp11.22.
Variant type: single nucleotide variant.
Coding change: c.2166A>C on transcript NM_031407.7 (MANE Select); coding-DNA position 2166, A replaced by C.
Protein change: p.Ala722=; no amino-acid change (alanine 722 retained).
Molecular consequence: synonymous variant.
Genome position (GRCh38, 1-based): chrX:53,614,629, T>G on the plus strand (A>C on the coding strand, the complement: HUWE1 is on the minus strand). VCF-style: chrX-53614629-T-G. GRCh37 (hg19) VCF-style: chrX-53641590-T-G.
Identifiers: ClinVar variation 2660631 (VCV002660631.26), dbSNP rs2527364199, ClinGen allele CA516437228.

ClinVar aggregate classification (germline): Likely benign. Review status: criteria provided, multiple submitters, no conflicts (2 of 4 stars). 2 submissions from 2 submitters: Likely benign (2). Last evaluated 2024-11-26.

Allele frequency attached by ClinVar (database versions not stated): gnomAD exomes 0.00001.
gnomAD v4.1: 3 of 1,209,148 alleles (0.00025%); highest among the groups gnomAD compares: Non-Finnish European, 0.00034%; no homozygotes.

Submissions (2):

Labcorp Genetics (formerly Invitae), Labcorp
Classification: Likely benign. Last evaluated: 2024-11-26. Review status: criteria provided, single submitter. Criteria: Invitae Variant Classification Sherloc (09022015). Collection method: clinical testing. Allele origin: germline.

CeGaT Center for Human Genetics Tuebingen
Classification: Likely benign. Last evaluated: 2023-07-01. Review status: criteria provided, single submitter. Criteria: CeGaT Center For Human Genetics Tuebingen Variant Classification Criteria Version 2. Collection method: clinical testing. Allele origin: germline. Affected: yes. Observed: 1 variant allele.
Comment: HUWE1: PM2:Supporting, BP4, BP7